The following is an entry in ClinVar:

ClinVar aggregate classification (germline): Benign. Review status: criteria provided, multiple submitters, no conflicts (2 of 4 stars). 5 submissions from 5 submitters: Benign (5). Last evaluated 2026-02-03.

Allele frequency attached by ClinVar (database versions not stated): 1000 Genomes Project 0.00260; 1000 Genomes Project 30x 0.00281; ExAC 0.00795; gnomAD exomes 0.00821 and 0.01447; gnomAD 0.00875 and 0.00906; TOPMed 0.00916; ESP Exome Variant Server 0.01184.

Submissions (5):

Labcorp Genetics (formerly Invitae), Labcorp
Classification: Benign. Last evaluated: 2026-02-03. Review status: criteria provided, single submitter. Criteria: Invitae Variant Classification Sherloc (09022015). Collection method: clinical testing. Allele origin: germline.

CeGaT Center for Human Genetics Tuebingen
Classification: Benign. Last evaluated: 2024-07-01. Review status: criteria provided, single submitter. Criteria: CeGaT Center For Human Genetics Tuebingen Variant Classification Criteria Version 2. Collection method: clinical testing. Allele origin: germline. Affected: yes. Observed: 53 variant alleles.
Comment: REST: BP4, BS1, BS2

Mayo Clinic Laboratories, Mayo Clinic
Classification: Benign. Last evaluated: 2023-12-20. Review status: criteria provided, single submitter. Criteria: ACMG Guidelines, 2015. Collection method: clinical testing. Allele origin: germline. Observed: 6 variant alleles.
Comment: BS1, BS2, BP4

GeneDx
Classification: Benign. Last evaluated: 2020-02-04. Review status: criteria provided, single submitter. Criteria: GeneDx Variant Classification Process June 2021. Collection method: clinical testing. Allele origin: germline. Affected: yes.

Breakthrough Genomics
Classification: Benign. Review status: criteria provided, single submitter. Criteria: ACMG Guidelines, 2015. Collection method: not provided. Allele origin: germline. Inheritance: Autosomal dominant inheritance. Affected: yes.

NM_005612.5(REST):c.1615T>C (p.Ser539Pro)

Gene: REST (RE1 silencing transcription factor; plus strand). Cytogenetic location: 4q12.
Variant type: single nucleotide variant.
Coding change: c.1615T>C on transcript NM_005612.5 (MANE Select); coding-DNA position 1615, T replaced by C.
Protein change: p.Ser539Pro; replaces serine 539 with proline.
Molecular consequence: missense variant.
Genome position (GRCh38, 1-based): chr4:56,930,473, T>C. VCF-style: chr4-56930473-T-C. GRCh37 (hg19) VCF-style: chr4-57796639-T-C.
Other names: p.Ser539Pro; c.1615T>C, p.Ser539Pro (NM_001193508.2, NM_001363453.3); short protein forms S539P.
Identifiers: ClinVar variation 769286 (VCV000769286.38), dbSNP rs61748754, ClinGen allele CA2932287.